The following is an entry in ClinVar:

ClinVar aggregate classification (germline): Uncertain significance. Review status: criteria provided, multiple submitters, no conflicts (2 of 4 stars). 2 submissions from 2 submitters: Uncertain significance (2). Last evaluated 2025-12-15.

Allele frequency attached by ClinVar (database versions not stated): ESP Exome Variant Server 0.00024; 1000 Genomes Project 30x 0.00031; TOPMed 0.00032; 1000 Genomes Project 0.00040; gnomAD 0.00040.
gnomAD v4.1: 463 of 1,604,742 alleles (0.029%); highest among the groups gnomAD compares: Middle Eastern, 0.05%; no homozygotes.

Submissions (2):

Labcorp Genetics (formerly Invitae), Labcorp
Classification: Uncertain significance. Last evaluated: 2025-12-15. Review status: criteria provided, single submitter. Criteria: Invitae Variant Classification Sherloc (09022015). Collection method: clinical testing. Allele origin: germline.
Comment: This sequence change replaces arginine, which is basic and polar, with histidine, which is basic and polar, at codon 326 of the STEAP3 protein (p.Arg326His). This variant is present in population databases (rs184644411, gnomAD 0.09%), and has an allele count higher than expected for a pathogenic variant. This variant has not been reported in the literature in individuals affected with STEAP3-related conditions. ClinVar contains an entry for this variant (Variation ID: 2054792). An algorithm developed to predict the effect of missense changes on protein structure and function (PolyPhen-2) suggests that this variant is likely to be disruptive. In summary, the available evidence is currently insufficient to determine the role of this variant in disease. Therefore, it has been classified as a Variant of Uncertain Significance.

Ambry Genetics
Classification: Uncertain significance. Last evaluated: 2025-08-23. Review status: criteria provided, single submitter. Criteria: Ambry Variant Classification Scheme 2023. Collection method: clinical testing. Allele origin: germline.

NM_182915.3(STEAP3):c.1007G>A (p.Arg336His)

Genes: STEAP3 (STEAP3 metalloreductase; plus strand), STEAP3-AS1 (STEAP3 antisense RNA 1; minus strand). Cytogenetic location: 2q14.2.
Variant type: single nucleotide variant.
Coding change: c.1007G>A on transcript NM_182915.3 (MANE Select); coding-DNA position 1007, G replaced by A.
Protein change: p.Arg336His; replaces arginine 336 with histidine.
Molecular consequence: missense variant.
Genome position (GRCh38, 1-based): chr2:119,248,163, G>A. VCF-style: chr2-119248163-G-A. GRCh37 (hg19) VCF-style: chr2-120005739-G-A.
Other names: c.977G>A (NM_001008410.1); c.977G>A, p.Arg326His (NM_001008410.2, NM_018234.3, NM_138637.3); short protein forms R326H, R336H.
Identifiers: ClinVar variation 2054792 (VCV002054792.7), dbSNP rs184644411, ClinGen allele CA1846766.
Genomic context (GRCh38, chr2:119,248,163, plus strand): 5'-GGCTGCTCAGCTTCTTCTGCGCCGCCCTGCACGCCCTCTACAGCTTCTGCTTGCCGCTGC[G>A]CCGCGCCCACCGCTACGACCTGGTCAACCTGGCAGTCAAGCAGGTACCCACCCCATGCCC-3'
Protein context (NP_878919.2, residues 326-346): HALYSFCLPL[Arg336His]RAHRYDLVNL